The following is an entry in ClinVar:

ClinVar aggregate classification (germline): Uncertain significance (1 of 4 stars; one submission).

gnomAD v4.1: 18 of 1,611,772 alleles (0.0011%); highest among the groups gnomAD compares: Admixed American, 0.0084%; no homozygotes.

Submission:

Labcorp Genetics (formerly Invitae), Labcorp
Classification: Uncertain significance. Last evaluated: 2021-05-21. Review status: criteria provided, single submitter. Criteria: Invitae Variant Classification Sherloc (09022015). Collection method: clinical testing. Allele origin: germline.
Comment: This sequence change replaces methionine with valine at codon 27 of the ATPAF2 protein (p.Met27Val). The methionine residue is weakly conserved and there is a small physicochemical difference between methionine and valine. This variant is present in population databases (rs772715284, ExAC 0.02%). This variant has not been reported in the literature in individuals with ATPAF2-related conditions. Algorithms developed to predict the effect of missense changes on protein structure and function output the following: SIFT: "Tolerated"; PolyPhen-2: "Benign"; Align-GVGD: "Class C0". The valine amino acid residue is found in multiple mammalian species, suggesting that this missense change does not adversely affect protein function. These predictions have not been confirmed by published functional studies and their clinical significance is uncertain. Algorithms developed to predict the effect of sequence changes on RNA splicing suggest that this variant may create or strengthen a splice site, but this prediction has not been confirmed by published transcriptional studies. In summary, the available evidence is currently insufficient to determine the role of this variant in disease. Therefore, it has been classified as a Variant of Uncertain Significance.

NM_145691.4(ATPAF2):c.79A>G (p.Met27Val)

Genes: ATPAF2 (ATP synthase mitochondrial F1 complex assembly factor 2; minus strand), LOC130060410 (ATAC-STARR-seq lymphoblastoid active region 11821; plus strand). Cytogenetic location: 17p11.2.
Variant type: single nucleotide variant.
Coding change: c.79A>G on transcript NM_145691.4 (MANE Select); coding-DNA position 79, A replaced by G.
Protein change: p.Met27Val; replaces methionine 27 with valine.
Molecular consequence: missense variant.
Genome position (GRCh38, 1-based): chr17:18,038,935, T>C on the plus strand (A>G on the coding strand, the complement: ATPAF2 is on the minus strand). VCF-style: chr17-18038935-T-C. GRCh37 (hg19) VCF-style: chr17-17942249-T-C.
Other names: short protein forms M27V.
Identifiers: ClinVar variation 1493201 (VCV001493201.8), dbSNP rs772715284, ClinGen allele CA8422024.